The following is an entry in ClinVar:

ClinVar aggregate classification (germline): Uncertain significance. Review status: criteria provided, multiple submitters, no conflicts (2 of 4 stars). 2 submissions from 2 submitters: Uncertain significance (2). Last evaluated 2023-01-29.

Conditions:
Arrhythmogenic right ventricular dysplasia 11. Also called: Arrhythmogenic right ventricular dysplasia 11 with mild palmoplantar keratoderma and woolly hair; Arrhythmogenic Right Ventricular Dysplasia/Cardiomyopathy11; ARRHYTHMOGENIC RIGHT VENTRICULAR DYSPLASIA, FAMILIAL, 11. Identifiers: MedGen C1864850, MONDO:0012506, OMIM 610476.
Cardiovascular phenotype. Identifiers: MedGen CN230736.

Submissions (2):

Ambry Genetics
Classification: Uncertain significance for Cardiovascular phenotype. Last evaluated: 2023-01-29. Review status: criteria provided, single submitter. Criteria: Ambry Variant Classification Scheme 2023. Collection method: clinical testing. Allele origin: germline.
Comment: The p.T358P variant (also known as c.1072A>C), located in coding exon 8 of the DSC2 gene, results from an A to C substitution at nucleotide position 1072. The threonine at codon 358 is replaced by proline, an amino acid with highly similar properties. This amino acid position is conserved. In addition, this alteration is predicted to be tolerated by in silico analysis. Since supporting evidence is limited at this time, the clinical significance of this alteration remains unclear.

Labcorp Genetics (formerly Invitae), Labcorp
Classification: Uncertain significance for Arrhythmogenic right ventricular dysplasia 11. Last evaluated: 2022-02-25. Review status: criteria provided, single submitter. Criteria: Invitae Variant Classification Sherloc (09022015). Collection method: clinical testing. Allele origin: germline.
Comment: This sequence change replaces threonine, which is neutral and polar, with proline, which is neutral and non-polar, at codon 358 of the DSC2 protein (p.Thr358Pro). This variant is not present in population databases (gnomAD no frequency). This variant has not been reported in the literature in individuals affected with DSC2-related conditions. Algorithms developed to predict the effect of missense changes on protein structure and function output the following: SIFT: "Tolerated"; PolyPhen-2: "Benign"; Align-GVGD: "Class C0". The proline amino acid residue is found in multiple mammalian species, which suggests that this missense change does not adversely affect protein function. In summary, the available evidence is currently insufficient to determine the role of this variant in disease. Therefore, it has been classified as a Variant of Uncertain Significance.

NM_024422.6(DSC2):c.1072A>C (p.Thr358Pro)

Gene: DSC2 (desmocollin 2; minus strand). Cytogenetic location: 18q12.1.
Variant type: single nucleotide variant.
Coding change: c.1072A>C on transcript NM_024422.6 (MANE Select); coding-DNA position 1072, A replaced by C.
Protein change: p.Thr358Pro; replaces threonine 358 with proline.
Molecular consequence: missense variant.
Genome position (GRCh38, 1-based): chr18:31,082,931, T>G on the plus strand (A>C on the coding strand, the complement: DSC2 is on the minus strand). VCF-style: chr18-31082931-T-G. GRCh37 (hg19) VCF-style: chr18-28662897-T-G.
Other names: c.1072A>C (NM_024422.3); c.643A>C, p.Thr215Pro (NM_001406506.1, NM_001406507.1); c.1072A>C, p.Thr358Pro (NM_004949.5); short protein forms T215P, T358P.
Identifiers: ClinVar variation 2103221 (VCV002103221.6), dbSNP rs2510948839, ClinGen allele CA402110320.